The following is an entry in ClinVar:

NM_000051.4(ATM):c.1779A>G (p.Thr593=)

Gene: ATM (ATM serine/threonine kinase; plus strand). Cytogenetic location: 11q22.3.
Variant type: single nucleotide variant.
Coding change: c.1779A>G on transcript NM_000051.4 (MANE Select); coding-DNA position 1779, A replaced by G.
Protein change: p.Thr593=; no amino-acid change (threonine 593 retained).
Molecular consequence: synonymous variant.
Genome position (GRCh38, 1-based): chr11:108,252,008, A>G. VCF-style: chr11-108252008-A-G. GRCh37 (hg19) VCF-style: chr11-108122735-A-G.
Other names: c.1779A>G, p.Thr593= (NM_001351834.2).
Identifiers: ClinVar variation 414562 (VCV000414562.16), dbSNP rs876660493, ClinGen allele CA16613265.

ClinVar aggregate classification (germline): Benign/Likely benign. Review status: criteria provided, multiple submitters, no conflicts (2 of 4 stars). 4 submissions from 4 submitters: Benign (1); Likely benign (3). Last evaluated 2024-10-16.

Conditions:
Hereditary cancer-predisposing syndrome. Also called: Tumor predisposition; Neoplastic Syndromes, Hereditary; Hereditary Cancer Syndrome; Hereditary neoplastic syndrome. Identifiers: Orphanet 140162, MedGen C0027672, MeSH D009386, MONDO:0015356.
Familial cancer of breast. Also called: Hereditary breast cancer; BREAST CANCER, FAMILIAL; hereditary breast carcinoma. Identifiers: Orphanet 227535, MedGen C0346153, MONDO:0016419, OMIM 114480. Disease mechanism: loss of function.
Ataxia-telangiectasia syndrome (AT). Also called: Ataxia-telangiectasia; Cerebello-oculocutaneous telangiectasia; Immunodeficiency with ataxia telangiectasia; ATAXIA-TELANGIECTASIA, COMPLEMENTATION GROUP A; ATAXIA-TELANGIECTASIA, FRESNO VARIANT; Ataxia-telangiectasia, complementation group D. Identifiers: Orphanet 100, MedGen C0004135, MONDO:0008840, OMIM 208900.

Allele frequency attached by ClinVar (database versions not stated): gnomAD 0.00001; TOPMed 0.00001.
gnomAD v4.1: 1 of 1,612,804 alleles (0.000062%); highest among the groups gnomAD compares: Non-Finnish European, 0.000085%; no homozygotes.

Submissions (4):

Labcorp Genetics (formerly Invitae), Labcorp
Classification: Likely benign for Ataxia-telangiectasia syndrome. Last evaluated: 2024-10-16. Review status: criteria provided, single submitter. Criteria: Invitae Variant Classification Sherloc (09022015). Collection method: clinical testing. Allele origin: germline.

Myriad Genetics, Inc.
Classification: Benign for Familial cancer of breast. Last evaluated: 2024-05-01. Review status: criteria provided, single submitter. Criteria: Myriad Autosomal Dominant, Autosomal Recessive and X-Linked Classification Criteria (2023). Collection method: clinical testing. Allele origin: unknown.
Comment: This variant is considered benign. This variant is a silent/synonymous amino acid change and it is not expected to impact splicing.

Ambry Genetics
Classification: Likely benign for Hereditary cancer-predisposing syndrome. Last evaluated: 2021-10-10. Review status: criteria provided, single submitter. Criteria: Ambry Variant Classification Scheme 2023. Collection method: clinical testing. Allele origin: germline.

GeneDx
Classification: Likely benign. Last evaluated: 2018-04-26. Review status: criteria provided, single submitter. Criteria: GeneDx Variant Classification (06012015). Collection method: clinical testing. Allele origin: germline. Affected: yes.
Comment: This variant is considered likely benign or benign based on one or more of the following criteria: it is a conservative change, it occurs at a poorly conserved position in the protein, it is predicted to be benign by multiple in silico algorithms, and/or has population frequency not consistent with disease.